The following is an entry in ClinVar:

ClinVar aggregate classification (germline): Likely benign. Review status: criteria provided, multiple submitters, no conflicts (2 of 4 stars). 2 submissions from 2 submitters: Likely benign (2). Last evaluated 2018-06-16.

Allele frequency attached by ClinVar (database versions not stated): gnomAD exomes 0.00253; 1000 Genomes Project 30x 0.00921; gnomAD 0.00988 and 0.00921; ExAC 0.00313; 1000 Genomes Project 0.00859; TOPMed 0.01080; ESP Exome Variant Server 0.00969.
gnomAD v4.1: 2,765 of 1,612,896 alleles (0.17%); highest among the groups gnomAD compares: African/African-American, 3.1%; 54 homozygotes.

Submissions (2):

GeneDx
Classification: Likely benign. Last evaluated: 2018-06-16. Review status: criteria provided, single submitter. Criteria: GeneDx Variant Classification (06012015). Collection method: clinical testing. Allele origin: germline. Affected: yes.
Comment: This variant is considered likely benign or benign based on one or more of the following criteria: it is a conservative change, it occurs at a poorly conserved position in the protein, it is predicted to be benign by multiple in silico algorithms, and/or has population frequency not consistent with disease.

Breakthrough Genomics
Classification: Likely benign. Review status: criteria provided, single submitter. Criteria: ACMG Guidelines, 2015. Collection method: not provided. Allele origin: germline. Inheritance: Autosomal recessive inheritance. Affected: yes.

NM_001384140.1(PCDH15):c.706-21G>T

Gene: PCDH15 (protocadherin related 15; minus strand). Cytogenetic location: 10q21.1.
Variant type: single nucleotide variant.
Coding change: c.706-21G>T on transcript NM_001384140.1 (MANE Select); 21 bases into the intron before coding-DNA position 706, G replaced by T.
Molecular consequence: intron variant.
Genome position (GRCh38, 1-based): chr10:54,317,462, C>A on the plus strand (G>T on the coding strand, the complement: PCDH15 is on the minus strand). VCF-style: chr10-54317462-C-A. GRCh37 (hg19) VCF-style: chr10-56077222-C-A.
Other names: c.706-21G>T (NM_001354420.2, NM_001354429.2, NM_001142772.2 and 7 more transcripts); c.721-21G>T (NM_001142771.2, NM_001142769.3, NM_001142763.2); c.640-21G>T (NM_001354404.2, NM_001142773.2, NM_001142768.2); c.595-21G>T (NM_001142767.2).
Identifiers: ClinVar variation 684167 (VCV000684167.2), dbSNP rs140130958, ClinGen allele CA5506608.